The following is an entry in ClinVar:

ClinVar aggregate classification (germline): Pathogenic (1 of 4 stars; one submission).

Submission:

Labcorp Genetics (formerly Invitae), Labcorp
Classification: Pathogenic. Last evaluated: 2023-02-10. Review status: criteria provided, single submitter. Criteria: Invitae Variant Classification Sherloc (09022015). Collection method: clinical testing. Allele origin: unknown.
Comment: This variant is a gross deletion of the genomic region encompassing exon(s) 6-7 of the DGUOK gene, which includes the termination codon. This deletion extends beyond the assayed region for this gene and therefore may encompass additional genes. While this deletion is not anticipated to lead to nonsense mediated decay, it is expected to alter mRNA translation or result in a truncated protein product. A similar copy number variant has been observed in individual(s) with hepatic failure and/or mitochondrial DNA depletion syndrome (PMID: 22137549, 22494545). This variant disrupts a region of the DGUOK protein in which other variant(s) (p.Phe256*) have been determined to be pathogenic (PMID: 14568816, 16263314, 17073823, 18205204, 19265691, 24321534). This suggests that this is a clinically significant region of the protein, and that variants that disrupt it are likely to be disease-causing. For these reasons, this variant has been classified as Pathogenic.

Literature cited by the submitters: PubMed 22137549; PubMed 22494545; PubMed 14568816; PubMed 16263314; PubMed 17073823; PubMed 18205204; PubMed 19265691; PubMed 24321534.

NC_000002.11:g.(?_74185253)_(74185863_?)del

Gene: DGUOK (deoxyguanosine kinase; plus strand). Cytogenetic location: 2p13.1.
Variant type: Deletion.
Identifiers: ClinVar variation 3247583 (VCV003247583.1).